The following is an entry in ClinVar:

NM_024652.6(LRRK1):c.2596G>A (p.Asp866Asn)

Genes: LRRK1 (leucine rich repeat kinase 1; plus strand), LOC126862255 (CDK7 strongly-dependent group 2 enhancer GRCh37_chr15:101567313-101568512; plus strand). Cytogenetic location: 15q26.3.
Variant type: single nucleotide variant.
Coding change: c.2596G>A on transcript NM_024652.6 (MANE Select); coding-DNA position 2596, G replaced by A.
Protein change: p.Asp866Asn; replaces aspartic acid 866 with asparagine.
Molecular consequence: missense variant.
Genome position (GRCh38, 1-based): chr15:101,027,707, G>A. VCF-style: chr15-101027707-G-A. GRCh37 (hg19) VCF-style: chr15-101567912-G-A.
Other names: c.2596G>A (NM_024652.5); short protein forms D866N.
Identifiers: ClinVar variation 1546924 (VCV001546924.10), dbSNP rs56003881, ClinGen allele CA7761299.

ClinVar aggregate classification (germline): Benign/Likely benign. Review status: criteria provided, multiple submitters, no conflicts (2 of 4 stars). 3 submissions from 3 submitters: Benign (2); Likely benign (1). Last evaluated 2026-05-24.

Conditions:
LRRK1-related disorder. Also called: LRRK1-related condition.

Allele frequency attached by ClinVar (database versions not stated): 1000 Genomes Project 30x 0.00047; 1000 Genomes Project 0.00060; ESP Exome Variant Server 0.00132; gnomAD 0.00150 and 0.00151; TOPMed 0.00153; gnomAD exomes 0.00160 and 0.00232; ExAC 0.00201.
gnomAD v4.1: 3,632 of 1,612,788 alleles (0.23%); highest among the groups gnomAD compares: South Asian, 0.28%; 8 homozygotes.

Submissions (3):

PreventionGenetics, part of Exact Sciences
Classification: Likely benign for LRRK1-related condition. Last evaluated: 2026-05-24. Review status: criteria provided, single submitter. Criteria: ACMG Guidelines, 2015. Collection method: clinical testing. Allele origin: germline.
Comment: This variant is classified as likely benign based on ACMG/AMP sequence variant interpretation guidelines (Richards et al. 2015 PMID: 25741868, with internal and published modifications).

Labcorp Genetics (formerly Invitae), Labcorp
Classification: Benign. Last evaluated: 2026-02-01. Review status: criteria provided, single submitter. Criteria: Invitae Variant Classification Sherloc (09022015). Collection method: clinical testing. Allele origin: germline.

Breakthrough Genomics
Classification: Benign. Review status: criteria provided, single submitter. Criteria: ACMG Guidelines, 2015. Collection method: not provided. Allele origin: germline. Inheritance: Autosomal recessive inheritance. Affected: yes.